The following is an entry in ClinVar:

NM_006059.4(LAMC3):c.4376G>A (p.Arg1459Gln)

Gene: LAMC3 (laminin subunit gamma 3; plus strand). Cytogenetic location: 9q34.12.
Variant type: single nucleotide variant.
Coding change: c.4376G>A on transcript NM_006059.4 (MANE Select); coding-DNA position 4376, G replaced by A.
Protein change: p.Arg1459Gln; replaces arginine 1459 with glutamine.
Molecular consequence: missense variant.
Genome position (GRCh38, 1-based): chr9:131,087,621, G>A. VCF-style: chr9-131087621-G-A. GRCh37 (hg19) VCF-style: chr9-133963008-G-A.
Other names: p.R1459Q:CGG>CAG; short protein forms R1459Q.
Identifiers: ClinVar variation 129466 (VCV000129466.16), dbSNP rs4740412, ClinGen allele CA153499.

ClinVar aggregate classification (germline): Benign. Review status: criteria provided, multiple submitters, no conflicts (2 of 4 stars). 5 submissions from 5 submitters: Benign (4). 1 of the submissions does not count toward it. Last evaluated 2026-02-04.

Conditions:
Occipital pachygyria and polymicrogyria. Identifiers: Orphanet 280640, MedGen C3279875, MONDO:0013583, OMIM 614115.

Allele frequency attached by ClinVar (database versions not stated): gnomAD 0.20628 and 0.20674; gnomAD exomes 0.25030; ESP Exome Variant Server 0.20344; ExAC 0.23092; 1000 Genomes Project 30x 0.16287; 1000 Genomes Project 0.16334; TOPMed 0.20376.
gnomAD v4.1: 397,067 of 1,613,758 alleles (25%); highest among the groups gnomAD compares: Middle Eastern, 31%; 51,514 homozygotes.

Submissions (5):

Labcorp Genetics (formerly Invitae), Labcorp
Classification: Benign. Last evaluated: 2026-02-04. Review status: criteria provided, single submitter. Criteria: Invitae Variant Classification Sherloc (09022015). Collection method: clinical testing. Allele origin: germline.

Genome-Nilou Lab
Classification: Benign for Occipital pachygyria and polymicrogyria. Last evaluated: 2021-08-19. Review status: criteria provided, single submitter. Criteria: ACMG Guidelines, 2015. Collection method: clinical testing. Allele origin: germline. Affected: no.

GeneDx
Classification: Benign. Last evaluated: 2013-11-06. Review status: criteria provided, single submitter. Criteria: GeneDx Variant Classification (06012015). Collection method: clinical testing. Allele origin: germline. Affected: yes.
Comment: This variant is considered likely benign or benign based on one or more of the following criteria: it is a conservative change, it occurs at a poorly conserved position in the protein, it is predicted to be benign by multiple in silico algorithms, and/or has population frequency not consistent with disease.

Breakthrough Genomics
Classification: Benign. Review status: criteria provided, single submitter. Criteria: ACMG Guidelines, 2015. Collection method: not provided. Allele origin: germline. Inheritance: Autosomal recessive inheritance. Affected: yes.

Genetic Services Laboratory, University of Chicago
Classification: Likely benign for AllHighlyPenetrant. Review status: no assertion criteria provided. Collection method: clinical testing. Allele origin: germline. Inheritance: X-linked inheritance. Not counted in ClinVar's aggregate classification.
Comment: Likely benign based on allele frequency in 1000 Genomes Project or ESP global frequency and its presence in a patient with a rare or unrelated disease phenotype. NOT Sanger confirmed.